The following is an entry in ClinVar:

NM_001711.6(BGN):c.461C>T (p.Pro154Leu)

Gene: BGN (biglycan; plus strand). Cytogenetic location: Xq28.
Variant type: single nucleotide variant.
Coding change: c.461C>T on transcript NM_001711.6 (MANE Select); coding-DNA position 461, C replaced by T.
Protein change: p.Pro154Leu; replaces proline 154 with leucine.
Molecular consequence: missense variant.
Genome position (GRCh38, 1-based): chrX:153,505,972, C>T. VCF-style: chrX-153505972-C-T. GRCh37 (hg19) VCF-style: chrX-152771430-C-T.
Other names: short protein forms P154L.
Identifiers: ClinVar variation 3668316 (VCV003668316.3).

ClinVar aggregate classification (germline): Uncertain significance. Review status: criteria provided, multiple submitters, no conflicts (2 of 4 stars). 2 submissions from 2 submitters: Uncertain significance (2). Last evaluated 2024-12-04.

gnomAD v4.1: 12 of 1,210,156 alleles (0.00099%); highest among the groups gnomAD compares: Admixed American, 0.0065%; no homozygotes.

Submissions (2):

Labcorp Genetics (formerly Invitae), Labcorp
Classification: Uncertain significance. Last evaluated: 2024-12-04. Review status: criteria provided, single submitter. Criteria: Invitae Variant Classification Sherloc (09022015). Collection method: clinical testing. Allele origin: germline.
Comment: This sequence change replaces proline, which is neutral and non-polar, with leucine, which is neutral and non-polar, at codon 154 of the BGN protein (p.Pro154Leu). This variant is present in population databases (rs368542911, gnomAD 0.004%). This variant has not been reported in the literature in individuals affected with BGN-related conditions. Invitae Evidence Modeling of protein sequence and biophysical properties (such as structural, functional, and spatial information, amino acid conservation, physicochemical variation, residue mobility, and thermodynamic stability) has been performed for this missense variant. However, the output from this modeling did not meet the statistical confidence thresholds required to predict the impact of this variant on BGN protein function. In summary, the available evidence is currently insufficient to determine the role of this variant in disease. Therefore, it has been classified as a Variant of Uncertain Significance.

Blueprint Genetics
Classification: Uncertain significance. Last evaluated: 2023-05-22. Review status: criteria provided, single submitter. Criteria: ACMG Guidelines, 2015. Collection method: clinical testing. Allele origin: germline.